The following is an entry in ClinVar:

ClinVar aggregate classification (germline): Uncertain significance (1 of 4 stars; one submission).

Conditions:
ASXL1-related disorder. Also called: ASXL1-related condition; ASXL1-related disorders.

Allele frequency attached by ClinVar (database versions not stated): gnomAD exomes below 0.00001; TOPMed below 0.00001.
gnomAD v4.1: 3 of 702,466 alleles (0.00043%); highest among the groups gnomAD compares: Non-Finnish European, 0.00078%; no homozygotes.

Submission:

PreventionGenetics, part of Exact Sciences
Classification: Uncertain significance for ASXL1-related condition. Last evaluated: 2023-10-03. Review status: criteria provided, single submitter. Criteria: ACMG Guidelines, 2015. Collection method: clinical testing. Allele origin: germline.
Comment: The ASXL1 c.3G>T variant is predicted to disrupt the translation initiation site (Start loss). However, this variant is also referred to as c.57+478G>T with alternative isoforms (eg. NM_015338; NM_001164603). To our knowledge, this variant has not been reported in the literature or in a large population database, indicating this variant is rare. At this time, the clinical significance of this variant is uncertain due to the absence of conclusive functional and genetic evidence.

NM_015338.6(ASXL1):c.57+478G>T

Gene: ASXL1 (ASXL transcriptional regulator 1; plus strand). Cytogenetic location: 20q11.21.
Variant type: single nucleotide variant.
Coding change: c.57+478G>T on transcript NM_015338.6 (MANE Select); 478 bases into the intron after coding-DNA position 57, G replaced by T.
Molecular consequence: intron variant. On other transcripts: missense variant (1), initiator codon variant (1).
Genome position (GRCh38, 1-based): chr20:32,359,310, G>T. VCF-style: chr20-32359310-G-T. GRCh37 (hg19) VCF-style: chr20-30947113-G-T.
Other names: c.3G>T, p.Met1Ile (NM_001363734.1); c.57+478G>T (NM_001164603.1); short protein forms M1I.
Identifiers: ClinVar variation 2633954 (VCV002633954.1), dbSNP rs952135039, ClinGen allele CA314093164.